The following is an entry in ClinVar:

NM_024422.6(DSC2):c.2163G>A (p.Thr721=)

Gene: DSC2 (desmocollin 2; minus strand). Cytogenetic location: 18q12.1.
Variant type: single nucleotide variant.
Coding change: c.2163G>A on transcript NM_024422.6 (MANE Select); coding-DNA position 2163, G replaced by A.
Protein change: p.Thr721=; no amino-acid change (threonine 721 retained).
Molecular consequence: synonymous variant.
Genome position (GRCh38, 1-based): chr18:31,070,813, C>T on the plus strand (G>A on the coding strand, the complement: DSC2 is on the minus strand). VCF-style: chr18-31070813-C-T. GRCh37 (hg19) VCF-style: chr18-28650779-C-T.
Other names: c.2163G>A, p.Thr721= (NM_004949.5).
Identifiers: ClinVar variation 380732 (VCV000380732.13), dbSNP rs773220437, ClinGen allele CA035221.

ClinVar aggregate classification (germline): Likely benign. Review status: criteria provided, multiple submitters, no conflicts (2 of 4 stars). 5 submissions from 5 submitters: Likely benign (5). Last evaluated 2023-09-24.

Conditions:
Arrhythmogenic right ventricular dysplasia 11. Also called: Arrhythmogenic Right Ventricular Dysplasia/Cardiomyopathy11; ARRHYTHMOGENIC RIGHT VENTRICULAR DYSPLASIA, FAMILIAL, 11; Arrhythmogenic right ventricular dysplasia 11 with mild palmoplantar keratoderma and woolly hair. Identifiers: MedGen C1864850, MONDO:0012506, OMIM 610476.
Cardiovascular phenotype. Identifiers: MedGen CN230736.
Familial isolated arrhythmogenic right ventricular dysplasia. Identifiers: Orphanet 217656, MedGen C4274968, MONDO:0016342.
Cardiomyopathy (CMYO). Also called: Cardiomyopathies. Identifiers: Orphanet 167848, MedGen C0878544, MONDO:0004994, HP:0001638. Inheritance: Various modes of inheritance.

Allele frequency attached by ClinVar (database versions not stated): ExAC 0.00001; gnomAD exomes below 0.00001; gnomAD 0.00002; TOPMed 0.00002.
gnomAD v4.1: 8 of 1,613,862 alleles (0.0005%); highest among the groups gnomAD compares: African/African-American, 0.0067%; no homozygotes.

Submissions (5):

Labcorp Genetics (formerly Invitae), Labcorp
Classification: Likely benign for Arrhythmogenic right ventricular dysplasia 11. Last evaluated: 2023-09-24. Review status: criteria provided, single submitter. Criteria: Invitae Variant Classification Sherloc (09022015). Collection method: clinical testing. Allele origin: germline.

All of Us Research Program, National Institutes of Health
Classification: Likely benign for Familial isolated arrhythmogenic right ventricular dysplasia. Last evaluated: 2023-05-31. Review status: criteria provided, single submitter. Criteria: ACMG Guidelines, 2015. Collection method: clinical testing. Allele origin: germline. Inheritance: Autosomal dominant inheritance. Observed: 1 variant allele, 1 heterozygote.
Comment: This study involves interpretation of variants in research participants for the purpose of population health screening. Participant phenotype was not available at the time of variant classification. Additional details can be found in publication PMID: 35346344, PMCID: PMC8962531

Ambry Genetics
Classification: Likely benign for Cardiovascular phenotype. Last evaluated: 2022-09-26. Review status: criteria provided, single submitter. Criteria: Ambry Variant Classification Scheme 2023. Collection method: clinical testing. Allele origin: germline.

Color Diagnostics, LLC DBA Color Health
Classification: Likely benign for Cardiomyopathy. Last evaluated: 2018-10-17. Review status: criteria provided, single submitter. Criteria: ACMG Guidelines, 2015. Collection method: clinical testing. Allele origin: germline.

GeneDx
Classification: Likely benign. Last evaluated: 2015-10-22. Review status: criteria provided, single submitter. Criteria: GeneDx Variant Classification (06012015). Collection method: clinical testing. Allele origin: germline. Affected: yes.
Comment: This variant is considered likely benign or benign based on one or more of the following criteria: it is a conservative change, it occurs at a poorly conserved position in the protein, it is predicted to be benign by multiple in silico algorithms, and/or has population frequency not consistent with disease.